The following is an entry in ClinVar:

ClinVar aggregate classification (germline): Uncertain significance. Review status: criteria provided, multiple submitters, no conflicts (2 of 4 stars). 4 submissions from 4 submitters: Uncertain significance (4). Last evaluated 2025-09-11.

Conditions:
Nephronophthisis 4 (NPHP4). Also called: NEPHRONOPHTHISIS 4, JUVENILE. Identifiers: Orphanet 655, MedGen C1847013, MONDO:0011752, OMIM 606966.
Senior-Loken syndrome 4 (SLSN4). Identifiers: Orphanet 3156, MedGen C1846979, MONDO:0011756, OMIM 606996.
Inborn genetic diseases. Identifiers: MedGen C0950123, MeSH D030342.
Nephronophthisis. Also called: Juvenile Nephronophthisis. Identifiers: Orphanet 655, MedGen C0687120, MONDO:0019005, HP:0000090.

Allele frequency attached by ClinVar (database versions not stated): gnomAD exomes 0.00001; ExAC 0.00003; TOPMed 0.00003; gnomAD 0.00005 and 0.00006; 1000 Genomes Project 30x 0.00047; 1000 Genomes Project 0.00060.
gnomAD v4.1: 22 of 1,613,876 alleles (0.0014%); highest among the groups gnomAD compares: African/African-American, 0.027%; no homozygotes.

Submissions (4):

Ambry Genetics
Classification: Uncertain significance for Inborn genetic diseases. Last evaluated: 2025-09-11. Review status: criteria provided, single submitter. Criteria: Ambry Variant Classification Scheme 2023. Collection method: clinical testing. Allele origin: germline.

Labcorp Genetics (formerly Invitae), Labcorp
Classification: Uncertain significance for Nephronophthisis. Last evaluated: 2023-11-27. Review status: criteria provided, single submitter. Criteria: Invitae Variant Classification Sherloc (09022015). Collection method: clinical testing. Allele origin: germline.
Comment: This sequence change replaces glutamic acid, which is acidic and polar, with glycine, which is neutral and non-polar, at codon 570 of the NPHP4 protein (p.Glu570Gly). This variant is present in population databases (rs200634524, gnomAD 0.01%). This variant has not been reported in the literature in individuals affected with NPHP4-related conditions. ClinVar contains an entry for this variant (Variation ID: 1391001). Advanced modeling of protein sequence and biophysical properties (such as structural, functional, and spatial information, amino acid conservation, physicochemical variation, residue mobility, and thermodynamic stability) performed at Invitae indicates that this missense variant is expected to disrupt NPHP4 protein function with a positive predictive value of 80%. In summary, the available evidence is currently insufficient to determine the role of this variant in disease. Therefore, it has been classified as a Variant of Uncertain Significance.

Fulgent Genetics
Classification: Uncertain significance for Nephronophthisis 4; Senior-Loken syndrome 4. Last evaluated: 2022-03-08. Review status: criteria provided, single submitter. Criteria: ACMG Guidelines, 2015. Collection method: clinical testing. Allele origin: unknown.

Blueprint Genetics
Classification: Uncertain significance. Last evaluated: 2020-05-19. Review status: criteria provided, single submitter. Criteria: ACMG Guidelines, 2015. Collection method: clinical testing. Allele origin: germline.

NM_015102.5(NPHP4):c.1709A>G (p.Glu570Gly)

Gene: NPHP4 (nephrocystin 4; minus strand). Cytogenetic location: 1p36.31.
Variant type: single nucleotide variant.
Coding change: c.1709A>G on transcript NM_015102.5 (MANE Select); coding-DNA position 1709, A replaced by G.
Protein change: p.Glu570Gly; replaces glutamic acid 570 with glycine.
Molecular consequence: missense variant. On other transcripts: non-coding transcript variant (1).
Genome position (GRCh38, 1-based): chr1:5,905,686, T>C on the plus strand (A>G on the coding strand, the complement: NPHP4 is on the minus strand). VCF-style: chr1-5905686-T-C. GRCh37 (hg19) VCF-style: chr1-5965746-T-C.
Other names: c.170A>G, p.Glu57Gly (NM_001291593.2); c.173A>G, p.Glu58Gly (NM_001291594.2); c.1709A>G (NM_015102.3); short protein forms E57G, E58G, E570G.
Identifiers: ClinVar variation 1391001 (VCV001391001.9), dbSNP rs200634524, ClinGen allele CA554406.